The following is an entry in ClinVar:

NM_006445.4(PRPF8):c.405C>A (p.Val135=)

Gene: PRPF8 (pre-mRNA processing factor 8; minus strand). Cytogenetic location: 17p13.3.
Variant type: single nucleotide variant.
Coding change: c.405C>A on transcript NM_006445.4 (MANE Select); coding-DNA position 405, C replaced by A.
Protein change: p.Val135=; no amino-acid change (valine 135 retained).
Molecular consequence: synonymous variant.
Genome position (GRCh38, 1-based): chr17:1,682,158, G>T on the plus strand (C>A on the coding strand, the complement: PRPF8 is on the minus strand). VCF-style: chr17-1682158-G-T. GRCh37 (hg19) VCF-style: chr17-1585452-G-T.
Identifiers: ClinVar variation 1307821 (VCV001307821.2), dbSNP rs1912966508, ClinGen allele CA497391403.

ClinVar aggregate classification (germline): Uncertain significance (1 of 4 stars; one submission).

Submission:

GeneDx
Classification: Uncertain significance. Last evaluated: 2019-08-26. Review status: criteria provided, single submitter. Criteria: GeneDx Variant Classification Process June 2021. Collection method: clinical testing. Allele origin: germline. Affected: yes.
Comment: Not observed in large population cohorts (Lek et al., 2016); In silico analysis, which includes splice predictors and evolutionary conservation, supports a deleterious effect; Has not been previously published as pathogenic or benign to our knowledge